The following is an entry in ClinVar:

NM_006279.5(ST3GAL3):c.397+172T>C

Gene: ST3GAL3 (ST3 beta-galactoside alpha-2,3-sialyltransferase 3; plus strand). Cytogenetic location: 1p34.1.
Variant type: single nucleotide variant.
Coding change: c.397+172T>C on transcript NM_006279.5 (MANE Select); 172 bases into the intron after coding-DNA position 397, T replaced by C.
Molecular consequence: intron variant.
Genome position (GRCh38, 1-based): chr1:43,894,649, T>C. VCF-style: chr1-43894649-T-C. GRCh37 (hg19) VCF-style: chr1-44360321-T-C.
Other names: c.604+172T>C (NM_174963.5); c.442+172T>C (NM_001350619.2, NM_174964.4, NM_174965.4); c.394+172T>C (NM_001270465.3, NM_001270463.3); c.559+172T>C (NM_174968.5, NM_001363573.2); c.118+172T>C (NM_001350621.2); c.397+172T>C (NM_001350620.2, NM_001270459.2, NM_174966.4 and 1 more transcripts); c.304+172T>C (NM_001270460.2); c.511+172T>C (NM_174971.5); and 3 more.
Identifiers: ClinVar variation 1707323 (VCV001707323.2), dbSNP rs72888761, ClinGen allele CA21595800.

ClinVar aggregate classification (germline): Likely benign (1 of 4 stars; one submission).

Allele frequency attached by ClinVar (database versions not stated): 1000 Genomes Project 30x 0.00656; 1000 Genomes Project 0.00659.
gnomAD v4.1: 1,814 of 151,886 alleles (1.2%); highest among the groups gnomAD compares: Non-Finnish European, 1.8%; 15 homozygotes.

Submission:

GeneDx
Classification: Likely benign. Last evaluated: 2021-06-01. Review status: criteria provided, single submitter. Criteria: GeneDx Variant Classification Process June 2021. Collection method: clinical testing. Allele origin: germline. Affected: yes.
Comment: See Variant Classification Assertion Criteria.